The following is an entry in ClinVar:

ClinVar aggregate classification (germline): Uncertain significance (1 of 4 stars; one submission).

Submission:

GeneDx
Classification: Uncertain significance. Last evaluated: 2025-07-29. Review status: criteria provided, single submitter. Criteria: GeneDx Variant Classification Process June 2021. Collection method: clinical testing. Allele origin: germline. Affected: yes.
Comment: Not observed at significant frequency in large population cohorts (gnomAD); In-frame insertion of 16 amino acids in a non-repeat region; In silico analysis suggests that this variant does not alter protein structure/function; Has not been previously published as pathogenic or benign to our knowledge

NM_178857.6(RP1L1):c.4027_4032delinsACAGAAGAAGGGCTGCAAGAAGAGGGGGTGCAGTTAGAGGGGACTAAAGAAACG (p.Lys1342_Glu1343insThrGluGluGlyLeuGlnGluGluGlyValGlnLeuGluGlyThrLys)

Gene: RP1L1 (RP1 like 1). Cytogenetic location: 8p23.1.
Variant type: Indel.
Coding change: c.4027_4032delinsACAGAAGAAGGGCTGCAAGAAGAGGGGGTGCAGTTAGAGGGGACTAAAGAAACG on transcript NM_178857.6 (MANE Select); coding-DNA positions 4027 to 4032, the reference bases replaced by an inserted sequence.
Protein change: p.Lys1342_Glu1343insThrGluGluGlyLeuGlnGluGluGlyValGlnLeuGluGlyThrLys.
Molecular consequence: inframe insertion.
Genome position: GRCh38: chr8:10,610,066-10,610,071. GRCh37 (hg19): chr8:10,467,576-10,467,581.
Identifiers: ClinVar variation 4690085 (VCV004690085.1).